The following is an entry in ClinVar:

ClinVar aggregate classification (germline): Likely benign. Review status: criteria provided, multiple submitters, no conflicts (2 of 4 stars). 3 submissions from 3 submitters: Likely benign (3). Last evaluated 2025-06-01.

Conditions:
CUX2-related disorder. Also called: CUX2-related condition.

Allele frequency attached by ClinVar (database versions not stated): gnomAD 0.00012; ExAC 0.00017; gnomAD exomes 0.00019.
gnomAD v4.1: 278 of 1,591,216 alleles (0.017%); highest among the groups gnomAD compares: Middle Eastern, 0.033%; no homozygotes.

Submissions (3):

CeGaT Center for Human Genetics Tuebingen
Classification: Likely benign. Last evaluated: 2025-06-01. Review status: criteria provided, single submitter. Criteria: CeGaT Center For Human Genetics Tuebingen Variant Classification Criteria Version 2. Collection method: clinical testing. Allele origin: germline. Affected: yes. Observed: 4 variant alleles.
Comment: CUX2: BP4, BP7

PreventionGenetics, part of Exact Sciences
Classification: Likely benign for CUX2-related condition. Last evaluated: 2025-03-18. Review status: criteria provided, single submitter. Criteria: ACMG Guidelines, 2015. Collection method: clinical testing. Allele origin: germline.
Comment: This variant is classified as likely benign based on ACMG/AMP sequence variant interpretation guidelines (Richards et al. 2015 PMID: 25741868, with internal and published modifications).

Blueprint Genetics
Classification: Likely benign. Last evaluated: 2024-11-12. Review status: criteria provided, single submitter. Criteria: ACMG Guidelines, 2015. Collection method: clinical testing. Allele origin: germline.

NM_015267.4(CUX2):c.2457C>A (p.Pro819=)

Gene: CUX2 (cut like homeobox 2; plus strand). Cytogenetic location: 12q24.12.
Variant type: single nucleotide variant.
Coding change: c.2457C>A on transcript NM_015267.4 (MANE Select); coding-DNA position 2457, C replaced by A.
Protein change: p.Pro819=; no amino-acid change (proline 819 retained).
Molecular consequence: synonymous variant.
Genome position (GRCh38, 1-based): chr12:111,320,466, C>A. VCF-style: chr12-111320466-C-A. GRCh37 (hg19) VCF-style: chr12-111758270-C-A.
Other names: c.2457C>A (NM_015267.3); c.2271C>A, p.Pro757= (NM_001370598.1).
Identifiers: ClinVar variation 2643302 (VCV002643302.26), dbSNP rs201135503, ClinGen allele CA6788877.